The following is an entry in ClinVar:

ClinVar aggregate classification (germline): Uncertain significance. Review status: criteria provided, multiple submitters, no conflicts (2 of 4 stars). 5 submissions from 5 submitters: Uncertain significance (4). 1 of the submissions does not count toward it. Last evaluated 2026-09-03.

Conditions:
Cardiovascular phenotype. Identifiers: MedGen CN230736.
Alstrom syndrome (ALMS). Identifiers: Orphanet 64, MedGen C0268425, MONDO:0008763, OMIM 203800.

Allele frequency attached by ClinVar (database versions not stated): gnomAD 0.00001; TOPMed 0.00001; ExAC 0.00003.
gnomAD v4.1: 5 of 1,594,846 alleles (0.00031%); highest among the groups gnomAD compares: East Asian, 0.0023%; no homozygotes.

Submissions (5):

GeneDx
Classification: Uncertain significance. Last evaluated: 2026-09-03. Review status: criteria provided, single submitter. Criteria: GeneDx Variant Classification Process June 2021. Collection method: clinical testing. Allele origin: germline.
Comment: Not observed at significant frequency in large population cohorts (gnomAD); In silico analysis suggests that this missense variant does not alter protein structure/function; Has not been previously published as pathogenic or benign to our knowledge

Ambry Genetics
Classification: Uncertain significance for Cardiovascular phenotype. Last evaluated: 2026-05-20. Review status: criteria provided, single submitter. Criteria: Ambry Variant Classification Scheme 2023. Collection method: clinical testing. Allele origin: germline.
Comment: The p.S68N variant (also known as c.203G>A), located in coding exon 1 of the ALMS1 gene, results from a G to A substitution at nucleotide position 203. The serine at codon 68 is replaced by asparagine, an amino acid with highly similar properties. This amino acid position is highly conserved in available vertebrate species. In addition, this alteration is predicted to be tolerated by in silico analysis. Based on the available evidence, the clinical significance of this variant remains unclear.

Labcorp Genetics (formerly Invitae), Labcorp
Classification: Uncertain significance for Alstrom syndrome. Last evaluated: 2022-03-20. Review status: criteria provided, single submitter. Criteria: Invitae Variant Classification Sherloc (09022015). Collection method: clinical testing. Allele origin: germline.
Comment: This sequence change replaces serine, which is neutral and polar, with asparagine, which is neutral and polar, at codon 68 of the ALMS1 protein (p.Ser68Asn). The frequency data for this variant in the population databases is considered unreliable, as metrics indicate poor data quality at this position in the gnomAD database. This variant has not been reported in the literature in individuals affected with ALMS1-related conditions. ClinVar contains an entry for this variant (Variation ID: 653536). In summary, the available evidence is currently insufficient to determine the role of this variant in disease. Therefore, it has been classified as a Variant of Uncertain Significance.

Fulgent Genetics
Classification: Uncertain significance for Alstrom syndrome. Last evaluated: 2021-12-28. Review status: criteria provided, single submitter. Criteria: ACMG Guidelines, 2015. Collection method: clinical testing. Allele origin: unknown.

Natera, Inc.
Classification: Uncertain significance for Alstrom syndrome. Last evaluated: 2020-03-20. Review status: no assertion criteria provided. Collection method: clinical testing. Allele origin: germline. Not counted in ClinVar's aggregate classification.

NM_001378454.1(ALMS1):c.200G>A (p.Ser67Asn)

Gene: ALMS1 (ALMS1 centrosome and basal body associated protein; plus strand). Cytogenetic location: 2p13.1.
Variant type: single nucleotide variant.
Coding change: c.200G>A on transcript NM_001378454.1 (MANE Select); coding-DNA position 200, G replaced by A.
Protein change: p.Ser67Asn; replaces serine 67 with asparagine.
Molecular consequence: missense variant.
Genome position (GRCh38, 1-based): chr2:73,386,068, G>A. VCF-style: chr2-73386068-G-A. GRCh37 (hg19) VCF-style: chr2-73613196-G-A.
Other names: c.203G>A, p.Ser68Asn (NM_015120.4); short protein forms S68N, S67N.
Identifiers: ClinVar variation 653536 (VCV000653536.14), dbSNP rs776932244, ClinGen allele CA1712764.